The following is an entry in ClinVar:

NM_000206.3(IL2RG):c.550G>T (p.Glu184Ter)

Gene: IL2RG (interleukin 2 receptor subunit gamma; minus strand). Cytogenetic location: Xq13.1.
Variant type: single nucleotide variant.
Coding change: c.550G>T on transcript NM_000206.3 (MANE Select); coding-DNA position 550, G replaced by T.
Protein change: p.Glu184Ter; replaces glutamic acid 184 with a stop codon.
Molecular consequence: nonsense.
Genome position (GRCh38, 1-based): chrX:71,110,200, C>A on the plus strand (G>T on the coding strand, the complement: IL2RG is on the minus strand). VCF-style: chrX-71110200-C-A. GRCh37 (hg19) VCF-style: chrX-70330050-C-A.
Other names: short protein forms E184*.
Identifiers: ClinVar variation 951211 (VCV000951211.7), dbSNP rs2092260520, ClinGen allele CA413496293.
Genomic context (GRCh38, chrX:71,110,200, plus strand): 5'-GTCCCTAGTCACTCACAGTCCAGCTGTGGTCCCAGTCAGTCCGGTACTGCACCAAGTGCT[C>A]CAAACAGTGGTTCAAGAATCTGTTGTTCCAGTTCAGTTCTAGCTGGGATTCACTCAGTTT-3'

ClinVar aggregate classification (germline): Pathogenic (1 of 4 stars; one submission).

Conditions:
X-linked severe combined immunodeficiency (SCIDX1). Also called: X-Linked Combined Immunodeficiency Diseases; IMMUNODEFICIENCY 4; SCID, X-LINKED; SEVERE COMBINED IMMUNODEFICIENCY, X-LINKED, T CELL-NEGATIVE, B CELL-POSITIVE, NK CELL-NEGATIVE; T-B+ severe combined immunodeficiency due to gamma chain deficiency. Identifiers: Orphanet 276, MedGen C6022468, MONDO:0010315, OMIM 300400. Disease mechanism: loss of function.

Submission:

Labcorp Genetics (formerly Invitae), Labcorp
Classification: Pathogenic for X-linked severe combined immunodeficiency. Last evaluated: 2019-05-04. Review status: criteria provided, single submitter. Criteria: Invitae Variant Classification Sherloc (09022015). Collection method: clinical testing. Allele origin: germline.
Comment: This sequence change creates a premature translational stop signal (p.Glu184*) in the IL2RG gene. It is expected to result in an absent or disrupted protein product. This variant is not present in population databases (ExAC no frequency). This variant has not been reported in the literature in individuals with IL2RG-related conditions. Loss-of-function variants in IL2RG are known to be pathogenic (PMID: 9058718, 10794430). For these reasons, this variant has been classified as Pathogenic.

Literature cited by the submitters: PubMed 9058718; PubMed 10794430.